The following is an entry in ClinVar:

NM_001918.5(DBT):c.1212T>G (p.Ile404Met)

Gene: DBT (dihydrolipoamide branched chain transacylase E2; minus strand). Cytogenetic location: 1p21.2.
Variant type: single nucleotide variant.
Coding change: c.1212T>G on transcript NM_001918.5 (MANE Select); coding-DNA position 1212, T replaced by G.
Protein change: p.Ile404Met; replaces isoleucine 404 with methionine.
Molecular consequence: missense variant.
Genome position (GRCh38, 1-based): chr1:100,206,299, A>C on the plus strand (T>G on the coding strand, the complement: DBT is on the minus strand). VCF-style: chr1-100206299-A-C. GRCh37 (hg19) VCF-style: chr1-100671855-A-C.
Other names: short protein forms I404M.
Identifiers: ClinVar variation 1381528 (VCV001381528.6), dbSNP rs2100779467, ClinGen allele CA341330182.
Genomic context (GRCh38, chr1:100,206,299, plus strand): 5'-TCCAAGGGCCCCAATGGCTACTTCAGGTGGCATTATCACTGGTTTGGCAAAGGTACCACC[A>C]ATCTATTTTTTAAAAAAAAAAAAAGGAGAGTATTAAAAGTTAAGATTTTTCAGGGAACAA-3'
Protein context (NP_001909.4, residues 394-414): GTFTLSNIGS[Ile404Met]GGTFAKPVIM

ClinVar aggregate classification (germline): Uncertain significance (1 of 4 stars; one submission).

Conditions:
Maple syrup urine disease (MSUD). Identifiers: Orphanet 511, MedGen C0024776, MeSH D008375, MONDO:0009563. Disease mechanism: loss of function.

Submission:

Labcorp Genetics (formerly Invitae), Labcorp
Classification: Uncertain significance for Maple syrup urine disease. Last evaluated: 2025-10-06. Review status: criteria provided, single submitter. Criteria: Invitae Variant Classification Sherloc (09022015). Collection method: clinical testing. Allele origin: germline.
Comment: This sequence change replaces isoleucine, which is neutral and non-polar, with methionine, which is neutral and non-polar, at codon 404 of the DBT protein (p.Ile404Met). This variant is not present in population databases (gnomAD no frequency). This variant has not been reported in the literature in individuals affected with DBT-related conditions. ClinVar contains an entry for this variant (Variation ID: 1381528). An algorithm developed to predict the effect of missense changes on protein structure and function (PolyPhen-2) suggests that this variant is likely to be disruptive. In summary, the available evidence is currently insufficient to determine the role of this variant in disease. Therefore, it has been classified as a Variant of Uncertain Significance.